The following is an entry in ClinVar:

ClinVar aggregate classification (germline): Uncertain significance. Review status: criteria provided, single submitter (1 of 4 stars). 2 submissions from 2 submitters: Uncertain significance (1). 1 of the submissions does not count toward it. Last evaluated 2024-04-26.

Conditions:
Cholestanol storage disease (CTX). Also called: CEREBRAL CHOLESTERINOSIS; Cerebrotendinous Xanthomatosis; CTX: Cerebrotendinous xanthomatosis. Identifiers: Orphanet 909, MedGen C0238052, MONDO:0008948, OMIM 213700.

gnomAD v4.1: 13 of 1,614,066 alleles (0.00081%); highest among the groups gnomAD compares: South Asian, 0.0088%; no homozygotes.

Submissions (2):

Women's Health and Genetics/Laboratory Corporation of America, LabCorp
Classification: Uncertain significance. Last evaluated: 2024-04-26. Review status: criteria provided, single submitter. Criteria: LabCorp Variant Classification Summary - May 2015. Collection method: clinical testing. Allele origin: germline.
Comment: Variant summary: CYP27A1 c.515C>A (p.Ala172Glu) results in a non-conservative amino acid change in the encoded protein sequence. Three of five in-silico tools predict a benign effect of the variant on protein function. The variant allele was found at a frequency of 1.6e-05 in 251472 control chromosomes. The available data on variant occurrences in the general population are insufficient to allow any conclusion about variant significance. To our knowledge, no occurrence of c.515C>A in individuals affected with Cerebrotendinous Xanthomatosis and no experimental evidence demonstrating its impact on protein function have been reported. ClinVar contains an entry for this variant (Variation ID: 989508). Based on the evidence outlined above, the variant was classified as uncertain significance.

Natera, Inc.
Classification: Uncertain significance for Cerebrotendinous xanthomatosis. Last evaluated: 2020-08-13. Review status: no assertion criteria provided. Collection method: clinical testing. Allele origin: germline. Not counted in ClinVar's aggregate classification.

NM_000784.4(CYP27A1):c.515C>A (p.Ala172Glu)

Gene: CYP27A1 (cytochrome P450 family 27 subfamily A member 1; plus strand). Cytogenetic location: 2q35.
Variant type: single nucleotide variant.
Coding change: c.515C>A on transcript NM_000784.4 (MANE Select); coding-DNA position 515, C replaced by A.
Protein change: p.Ala172Glu; replaces alanine 172 with glutamic acid.
Molecular consequence: missense variant.
Genome position (GRCh38, 1-based): chr2:218,812,290, C>A. VCF-style: chr2-218812290-C-A. GRCh37 (hg19) VCF-style: chr2-219677013-C-A.
Other names: short protein forms A172E.
Identifiers: ClinVar variation 989508 (VCV000989508.2), dbSNP rs200753815, ClinGen allele CA2112631.
Genomic context (GRCh38, chr2:218,812,290, plus strand): 5'-ACCACTGGTACCAGCTGCGCCAGGCTCTGAACCAGCGGTTGCTGAAGCCAGCGGAAGCAG[C>A]GCTCTATACGGATGCTTTCAATGAGGTGATTGATGACTTTATGACTCGACTGGACCAGCT-3'
Protein context (NP_000775.1, residues 162-182): NQRLLKPAEA[Ala172Glu]LYTDAFNEVI